The following is an entry in ClinVar:

NM_001165963.4(SCN1A):c.1739G>A (p.Arg580Gln)

Gene: SCN1A (sodium voltage-gated channel alpha subunit 1; minus strand). Cytogenetic location: 2q24.3.
Variant type: single nucleotide variant.
Coding change: c.1739G>A on transcript NM_001165963.4 (MANE Select); coding-DNA position 1739, G replaced by A.
Protein change: p.Arg580Gln; replaces arginine 580 with glutamine.
Molecular consequence: missense variant. On other transcripts: 5 prime UTR variant (1), non-coding transcript variant (1).
Genome position (GRCh38, 1-based): chr2:166,043,973, C>T on the plus strand (G>A on the coding strand, the complement: SCN1A is on the minus strand). VCF-style: chr2-166043973-C-T. GRCh37 (hg19) VCF-style: chr2-166900483-C-T.
Other names: p.R580Q:CGA>CAA; c.1739G>A, p.Arg580Gln (NM_001165964.3, NM_001202435.3, NM_001353948.2 and 7 more transcripts); c.1736G>A, p.Arg579Gln (NM_001353954.2, NM_001353955.2, NM_001353960.2); c.-687G>A (NM_001353961.2); c.1739G>A (NM_001202435.1); short protein forms R580Q, R579Q.
Identifiers: ClinVar variation 167646 (VCV000167646.23), dbSNP rs544692790, ClinGen allele CA234868.
Genomic context (GRCh38, chr2:166,043,973, plus strand): 5'-TCCTCAAAGGTGCTGTGCTCATCATCTGCGAAGTCGTTCTCAGATCCCACATCCTTTGCT[C>T]GCCCTCTAAAGCTGAAAAGGCTTGTTCTGCTATTTCGCCTTGGTGAAAATAGGGAGCCAC-3'
Protein context (NP_001159435.1, residues 570-590): SRTSLFSFRG[Arg580Gln]AKDVGSENDF

ClinVar aggregate classification (germline): Conflicting classifications of pathogenicity. Review status: criteria provided, conflicting classifications (1 of 4 stars). 8 submissions from 8 submitters: Uncertain significance (3); Likely benign (5). Last evaluated 2026-07-01.

Conditions:
Early-infantile DEE. Also called: Early infantile epileptic encephalopathy; Ohtahara syndrome; Early infantile epileptic encephalopathy with suppression bursts. Identifiers: Orphanet 1934, MedGen C0393706, MONDO:0800491.
Inborn genetic diseases. Identifiers: MedGen C0950123, MeSH D030342.
Severe myoclonic epilepsy in infancy (DRVT). Also called: DEVELOPMENTAL AND EPILEPTIC ENCEPHALOPATHY 6A; Severe Myoclonic Epilepsy in Infancy (SMEI); Dravet syndrome; SEVERE MYOCLONIC EPILEPSY OF INFANCY; Epileptic encephalopathy, early infantile, 6 (Dravet syndrome). Identifiers: Orphanet 33069, MedGen C0751122, MONDO:0100135, OMIM 607208.
Generalized epilepsy with febrile seizures plus, type 2 (GEFSP2). Also called: GEFS+, TYPE 2. Identifiers: Orphanet 36387, MedGen C1858673, MONDO:0011461, OMIM 604403.
Migraine, familial hemiplegic, 3. Identifiers: Orphanet 569, MedGen C1864987, MONDO:0012320, OMIM 609634.

Allele frequency attached by ClinVar (database versions not stated): gnomAD 0.00011; TOPMed 0.00011; gnomAD exomes 0.00011 and 0.00010; ExAC 0.00008; 1000 Genomes Project 30x 0.00016; 1000 Genomes Project 0.00020.
gnomAD v4.1: 183 of 1,614,124 alleles (0.011%); highest among the groups gnomAD compares: Admixed American, 0.033%; no homozygotes.

Submissions (8):

CeGaT Center for Human Genetics Tuebingen
Classification: Likely benign. Last evaluated: 2026-07-01. Review status: criteria provided, single submitter. Criteria: CeGaT Center For Human Genetics Tuebingen Variant Classification Criteria Version 2. Collection method: clinical testing. Allele origin: germline. Affected: yes. Observed: 3 variant alleles.
Comment: SCN1A: BS1

Labcorp Genetics (formerly Invitae), Labcorp
Classification: Likely benign for Early-infantile DEE. Last evaluated: 2026-01-01. Review status: criteria provided, single submitter. Criteria: Invitae Variant Classification Sherloc (09022015). Collection method: clinical testing. Allele origin: germline.

Athena Diagnostics
Classification: Likely benign. Last evaluated: 2024-04-29. Review status: criteria provided, single submitter. Criteria: Athena Diagnostics Criteria. Collection method: clinical testing. Allele origin: unknown.

Blueprint Genetics
Classification: Likely benign. Last evaluated: 2023-10-16. Review status: criteria provided, single submitter. Criteria: ACMG Guidelines, 2015. Collection method: clinical testing. Allele origin: germline.

GeneDx
Classification: Uncertain significance. Last evaluated: 2018-04-24. Review status: criteria provided, single submitter. Criteria: GeneDx Variant Classification (06012015). Collection method: clinical testing. Allele origin: germline. Affected: yes.
Comment: The Arg580Gln missense change has not been published as a mutation, nor has it been reported as a benign polymorphism to our knowledge. The amino acid substitution is a non-conservative amino acid substitution, which is likely to impact secondary protein structure as these residues differ in polarity, charge, size and/or other properties. This substitution occurs at a position that is conserved through mammals but is not conserved in more distant species through evolution in the cytoplasmic loop between the first and second homologous domains. Multiple in silico algorithms predict it may be damaging to protein structure/function. Therefore, based on the currently available information, it is unclear whether Arg580Gln is a pathogenic variant or a rare benign variant.

Ambry Genetics
Classification: Likely benign for Inborn genetic diseases. Last evaluated: 2018-01-31. Review status: criteria provided, single submitter. Criteria: Ambry Variant Classification Scheme 2023. Collection method: clinical testing. Allele origin: germline.

Fulgent Genetics
Classification: Uncertain significance for Generalized epilepsy with febrile seizures plus, type 2; Severe myoclonic epilepsy in infancy; Migraine, familial hemiplegic, 3. Last evaluated: 2017-05-23. Review status: criteria provided, single submitter. Criteria: ACMG Guidelines, 2015. Collection method: clinical testing. Allele origin: unknown.

Eurofins Ntd Llc (ga)
Classification: Uncertain significance. Last evaluated: 2014-01-22. Review status: criteria provided, single submitter. Criteria: EGL Classification Definitions 2015. Collection method: clinical testing. Allele origin: germline. Observed: 2 variant alleles, 2 heterozygotes.

Literature cited by the submitters: PubMed 32276107 (cited by Athena Diagnostics); PubMed 32347949 (cited by Athena Diagnostics); PubMed 26699486 (cited by Athena Diagnostics).